The following is an entry in ClinVar:

NM_025099.6(CTC1):c.595A>C (p.Thr199Pro)

Gene: CTC1 (CST telomere replication complex component 1; minus strand). Cytogenetic location: 17p13.1.
Variant type: single nucleotide variant.
Coding change: c.595A>C on transcript NM_025099.6 (MANE Select); coding-DNA position 595, A replaced by C.
Protein change: p.Thr199Pro; replaces threonine 199 with proline.
Molecular consequence: missense variant. On other transcripts: non-coding transcript variant (1).
Genome position (GRCh38, 1-based): chr17:8,238,083, T>G on the plus strand (A>C on the coding strand, the complement: CTC1 is on the minus strand). VCF-style: chr17-8238083-T-G. GRCh37 (hg19) VCF-style: chr17-8141401-T-G.
Other names: c.595A>C (NM_025099.5); short protein forms T199P.
Identifiers: ClinVar variation 1056820 (VCV001056820.10), dbSNP rs1221916551, ClinGen allele CA397992481.
Genomic context (GRCh38, chr17:8,238,083, plus strand): 5'-GAAATTACCTGAGCCTGAGCAGGCAGGAAGCACTCTCTGGGTAGAGGACAGGGATAGGCG[T>G]GACGGGGCCAGGACTGATGGTCAAAGGAAACACTGGCACAGGGGCATCCCACAGCTCCAA-3'
Protein context (NP_079375.3, residues 189-209): FPLTISPGPV[Thr199Pro]PIPVLYPESA

ClinVar aggregate classification (germline): Uncertain significance. Review status: criteria provided, multiple submitters, no conflicts (2 of 4 stars). 2 submissions from 2 submitters: Uncertain significance (2). Last evaluated 2025-08-21.

Conditions:
Dyskeratosis congenita. Identifiers: Orphanet 1775, MedGen C0265965, MONDO:0015780.
Inborn genetic diseases. Identifiers: MedGen C0950123, MeSH D030342.

Allele frequency attached by ClinVar (database versions not stated): TOPMed below 0.00001; gnomAD 0.00001.
gnomAD v4.1: 2 of 1,613,962 alleles (0.00012%); highest among the groups gnomAD compares: Non-Finnish European, 0.00017%; no homozygotes.

Submissions (2):

Ambry Genetics
Classification: Uncertain significance for Inborn genetic diseases. Last evaluated: 2025-08-21. Review status: criteria provided, single submitter. Criteria: Ambry Variant Classification Scheme 2023. Collection method: clinical testing. Allele origin: germline.

Labcorp Genetics (formerly Invitae), Labcorp
Classification: Uncertain significance for Dyskeratosis congenita. Last evaluated: 2024-01-26. Review status: criteria provided, single submitter. Criteria: Invitae Variant Classification Sherloc (09022015). Collection method: clinical testing. Allele origin: germline.
Comment: This sequence change replaces threonine, which is neutral and polar, with proline, which is neutral and non-polar, at codon 199 of the CTC1 protein (p.Thr199Pro). This variant is present in population databases (no rsID available, gnomAD 0.007%). This variant has not been reported in the literature in individuals affected with CTC1-related conditions. ClinVar contains an entry for this variant (Variation ID: 1056820). Advanced modeling of protein sequence and biophysical properties (such as structural, functional, and spatial information, amino acid conservation, physicochemical variation, residue mobility, and thermodynamic stability) performed at Invitae indicates that this missense variant is not expected to disrupt CTC1 protein function with a negative predictive value of 80%. In summary, the available evidence is currently insufficient to determine the role of this variant in disease. Therefore, it has been classified as a Variant of Uncertain Significance.